The following is an entry in ClinVar:

NM_015602.4(TOR1AIP1):c.69C>G (p.Ala23=)

Genes: TOR1AIP1 (torsin 1A interacting protein 1; plus strand), LOC112577517 (Sharpr-MPRA regulatory region 13766; plus strand). Cytogenetic location: 1q25.2.
Variant type: single nucleotide variant.
Coding change: c.69C>G on transcript NM_015602.4 (MANE Select); coding-DNA position 69, C replaced by G.
Protein change: p.Ala23=; no amino-acid change (alanine 23 retained).
Molecular consequence: synonymous variant.
Genome position (GRCh38, 1-based): chr1:179,882,571, C>G. VCF-style: chr1-179882571-C-G. GRCh37 (hg19) VCF-style: chr1-179851706-C-G.
Other names: c.69C>G, p.Ala23= (NM_001267578.2).
Identifiers: ClinVar variation 3044003 (VCV003044003.2), dbSNP rs1647740379, ClinGen allele CA422266902.

ClinVar aggregate classification (germline): Likely benign (0 of 4 stars; one submission).

Conditions:
TOR1AIP1-related disorder. Also called: TOR1AIP1-related condition.

Submission:

PreventionGenetics, part of Exact Sciences
Classification: Likely benign for TOR1AIP1-related condition. Last evaluated: 2022-06-08. Review status: no assertion criteria provided. Collection method: clinical testing. Allele origin: germline.
Comment: This variant is classified as likely benign based on ACMG/AMP sequence variant interpretation guidelines (Richards et al. 2015 PMID: 25741868, with internal and published modifications).